The following is an entry in ClinVar:

ClinVar aggregate classification (germline): Benign/Likely benign. Review status: criteria provided, multiple submitters, no conflicts (2 of 4 stars). 5 submissions from 4 submitters: Benign (1); Likely benign (3). 1 of the submissions does not count toward it. Last evaluated 2022-03-15.

Conditions:
KCNT1-related disorder. Also called: KCNT1-related condition.
Developmental and epileptic encephalopathy, 14 (DEE14). Also called: Early infantile epileptic encephalopathy 14. Identifiers: Orphanet 293181, MedGen C3554195, MONDO:0013989, OMIM 614959.
Autosomal dominant nocturnal frontal lobe epilepsy 5. Also called: Epilepsy, nocturnal frontal lobe, 5; CILIARY DYSKINESIA, PRIMARY, 28, WITHOUT SITUS INVERSUS; CILIARY DYSKINESIA, PRIMARY, 28, WITH SITUS INVERSUS; KCNT1-Related Epilepsy. Identifiers: Orphanet 98784, MedGen C3554306, MONDO:0014002, OMIM 615005.

Submissions (5):

Genome-Nilou Lab
Classification: Likely benign for Developmental and epileptic encephalopathy, 14. Last evaluated: 2022-03-15. Review status: criteria provided, single submitter. Criteria: ACMG Guidelines, 2015. Collection method: clinical testing. Allele origin: germline. Affected: no.

Genome-Nilou Lab
Classification: Likely benign for Autosomal dominant nocturnal frontal lobe epilepsy 5. Last evaluated: 2022-03-15. Review status: criteria provided, single submitter. Criteria: ACMG Guidelines, 2015. Collection method: clinical testing. Allele origin: germline. Affected: no.

GeneDx
Classification: Likely benign. Last evaluated: 2017-04-28. Review status: criteria provided, single submitter. Criteria: GeneDx Variant Classification (06012015). Collection method: clinical testing. Allele origin: germline. Affected: yes.
Comment: This variant is considered likely benign or benign based on one or more of the following criteria: it is a conservative change, it occurs at a poorly conserved position in the protein, it is predicted to be benign by multiple in silico algorithms, and/or has population frequency not consistent with disease.

Eurofins Ntd Llc (ga)
Classification: Benign. Last evaluated: 2016-04-05. Review status: criteria provided, single submitter. Criteria: EGL Classification Definitions 2015. Collection method: clinical testing. Allele origin: germline. Observed: 27 variant alleles, 3 heterozygotes, 21 homozygotes.

PreventionGenetics, part of Exact Sciences
Classification: Benign for KCNT1-related condition. Last evaluated: 2021-02-11. Review status: no assertion criteria provided. Collection method: clinical testing. Allele origin: germline. Not counted in ClinVar's aggregate classification.
Comment: This variant is classified as benign based on ACMG/AMP sequence variant interpretation guidelines (Richards et al. 2015 PMID: 25741868, with internal and published modifications).

NM_020822.3(KCNT1):c.2944-52CTCC[8]

Gene: KCNT1 (potassium sodium-activated channel subfamily T member 1; plus strand). Cytogenetic location: 9q34.3.
Variant type: Microsatellite.
Coding change: c.2944-52CTCC[8] on transcript NM_020822.3 (MANE Select); eight copies in a row of the 4-base unit CTCC starting at c.2944-52.
Molecular consequence: intron variant.
Genome position: GRCh38 VCF-style: chr9-135784482-GCTCCCTCCCTCC-G. GRCh37 (hg19) VCF-style: chr9-138676328-GCTCCCTCCCTCC-G.
Other names: c.2944-18_2944-7del12 (NM_020822.2); c.2944-18_2944-7delCCCTCCCTCCCT (NM_020822.2); c.2809-52CTCC[8] (NM_001272003.2).
Identifiers: ClinVar variation 195981 (VCV000195981.8), dbSNP rs55843930, ClinGen allele CA242710.